The following is an entry in ClinVar:

ClinVar aggregate classification (germline): Uncertain significance (1 of 4 stars; one submission).

Conditions:
Deficiency of phosphoserine phosphatase (PSPHD). Also called: PSPH deficiency; Phosphoserine phosphatase deficiency. Identifiers: Orphanet 79350, MedGen C1291463, MONDO:0013531, OMIM 614023.

Allele frequency attached by ClinVar (database versions not stated): gnomAD exomes below 0.00001 and 0.00001; TOPMed below 0.00001.
gnomAD v4.1: 2 of 1,614,122 alleles (0.00012%); highest among the groups gnomAD compares: Admixed American, 0.0033%; no homozygotes.

Submission:

Labcorp Genetics (formerly Invitae), Labcorp
Classification: Uncertain significance for Deficiency of phosphoserine phosphatase. Last evaluated: 2022-08-16. Review status: criteria provided, single submitter. Criteria: Invitae Variant Classification Sherloc (09022015). Collection method: clinical testing. Allele origin: germline.
Comment: This sequence change replaces phenylalanine, which is neutral and non-polar, with serine, which is neutral and polar, at codon 169 of the PSPH protein (p.Phe169Ser). This variant is present in population databases (no rsID available, gnomAD 0.006%). In summary, the available evidence is currently insufficient to determine the role of this variant in disease. Therefore, it has been classified as a Variant of Uncertain Significance. Algorithms developed to predict the effect of missense changes on protein structure and function are either unavailable or do not agree on the potential impact of this missense change (SIFT: "Tolerated"; PolyPhen-2: "Possibly Damaging"; Align-GVGD: "Class C0"). ClinVar contains an entry for this variant (Variation ID: 1466162). This variant has not been reported in the literature in individuals affected with PSPH-related conditions.

NM_004577.4(PSPH):c.506T>C (p.Phe169Ser)

Gene: PSPH (phosphoserine phosphatase; minus strand). Cytogenetic location: 7p11.2.
Variant type: single nucleotide variant.
Coding change: c.506T>C on transcript NM_004577.4 (MANE Select); coding-DNA position 506, T replaced by C.
Protein change: p.Phe169Ser; replaces phenylalanine 169 with serine.
Molecular consequence: missense variant.
Genome position (GRCh38, 1-based): chr7:56,015,087, A>G on the plus strand (T>C on the coding strand, the complement: PSPH is on the minus strand). VCF-style: chr7-56015087-A-G. GRCh37 (hg19) VCF-style: chr7-56082780-A-G.
Other names: c.506T>C, p.Phe169Ser (NM_001370503.1, NM_001370504.1, NM_001370505.1 and 17 more transcripts); short protein forms F169S.
Identifiers: ClinVar variation 1466162 (VCV001466162.8), dbSNP rs1253579440, ClinGen allele CA367595692.
Genomic context (GRCh38, chr7:56,015,087, plus strand): 5'-GGAGGACAGGCTTCCATATCTGTGGCACCATCTCCAATCATGATTATTTTCTTAAAATGA[A>G]ATTTTTCCTTTAAAAGTTTAATCACTTTTCCTTTTCCACCAGATTCAGCTGTTGGCTGCG-3'
Protein context (NP_004568.2, residues 159-179): GKVIKLLKEK[Phe169Ser]HFKKIIMIGD